The following is an entry in ClinVar:

ClinVar aggregate classification (germline): Uncertain significance (1 of 4 stars; one submission).

gnomAD v4.1: 2 of 1,614,182 alleles (0.00012%); highest among the groups gnomAD compares: South Asian, 0.0011%; no homozygotes.

Submission:

Labcorp Genetics (formerly Invitae), Labcorp
Classification: Uncertain significance. Last evaluated: 2024-10-30. Review status: criteria provided, single submitter. Criteria: Invitae Variant Classification Sherloc (09022015). Collection method: clinical testing. Allele origin: germline.
Comment: This sequence change replaces proline, which is neutral and non-polar, with leucine, which is neutral and non-polar, at codon 2609 of the KMT2A protein (p.Pro2609Leu). This variant is not present in population databases (gnomAD no frequency). This variant has not been reported in the literature in individuals affected with KMT2A-related conditions. Invitae Evidence Modeling of protein sequence and biophysical properties (such as structural, functional, and spatial information, amino acid conservation, physicochemical variation, residue mobility, and thermodynamic stability) indicates that this missense variant is not expected to disrupt KMT2A protein function with a negative predictive value of 95%. In summary, the available evidence is currently insufficient to determine the role of this variant in disease. Therefore, it has been classified as a Variant of Uncertain Significance.

NM_001197104.2(KMT2A):c.7826C>T (p.Pro2609Leu)

Gene: KMT2A (lysine methyltransferase 2A; plus strand). Cytogenetic location: 11q23.3.
Variant type: single nucleotide variant.
Coding change: c.7826C>T on transcript NM_001197104.2 (MANE Select); coding-DNA position 7826, C replaced by T.
Protein change: p.Pro2609Leu; replaces proline 2609 with leucine.
Molecular consequence: missense variant.
Genome position (GRCh38, 1-based): chr11:118,503,718, C>T. VCF-style: chr11-118503718-C-T. GRCh37 (hg19) VCF-style: chr11-118374433-C-T.
Other names: c.7916C>T, p.Pro2639Leu (NM_001412597.1); c.7817C>T, p.Pro2606Leu (NM_005933.4); short protein forms P2606L, P2609L, P2639L.
Identifiers: ClinVar variation 3615350 (VCV003615350.2).
Genomic context (GRCh38, chr11:118,503,718, plus strand): 5'-ACAACTATCAGAATCTTCCAGTACAGGACAGAAACCTAATGCTTCCAGATGGCCCCAAAC[C>T]TCAGGAGGATGGCTCTTTTAAAAGGAGGTATCCCCGTCGCAGTGCCCGTGCACGTTCTAA-3'
Protein context (NP_001184033.1, residues 2599-2619): RNLMLPDGPK[Pro2609Leu]QEDGSFKRRY